The following is an entry in ClinVar:

ClinVar aggregate classification (germline): Likely benign (1 of 4 stars; one submission).

gnomAD v4.1: 25 of 1,613,468 alleles (0.0015%); highest among the groups gnomAD compares: South Asian, 0.027%; no homozygotes.

Submission:

CeGaT Center for Human Genetics Tuebingen
Classification: Likely benign. Last evaluated: 2025-01-01. Review status: criteria provided, single submitter. Criteria: CeGaT Center For Human Genetics Tuebingen Variant Classification Criteria Version 2. Collection method: clinical testing. Allele origin: germline. Affected: yes. Observed: 1 variant allele.
Comment: FAT3: BP4, BP7

NM_001367949.2(FAT3):c.6474C>T (p.Ile2158=)

Gene: FAT3 (FAT atypical cadherin 3; plus strand). Cytogenetic location: 11q14.3.
Variant type: single nucleotide variant.
Coding change: c.6474C>T on transcript NM_001367949.2 (MANE Select); coding-DNA position 6474, C replaced by T.
Protein change: p.Ile2158=; no amino-acid change (isoleucine 2158 retained).
Molecular consequence: synonymous variant.
Genome position (GRCh38, 1-based): chr11:92,799,487, C>T. VCF-style: chr11-92799487-C-T. GRCh37 (hg19) VCF-style: chr11-92532653-C-T.
Other names: c.6474C>T, p.Ile2158= (NM_001008781.3).
Identifiers: ClinVar variation 3771744 (VCV003771744.13).
Genomic context (GRCh38, chr11:92,799,487, plus strand): 5'-TGTTATTTTAAAGGAAGCATTCAACTCTGACTTGTCCAACATTGAGTATGGAGTCACCAT[C>T]CTAGCCAAGGATGGCGGAAAACCTTCTTTGTCTACATCTGTGGAGCTTCCCATCACTATT-3'
Protein context (NP_001354878.1, residues 2148-2168): DLSNIEYGVT[Ile2158=]LAKDGGKPSL